The following is an entry in ClinVar:

NM_000891.3(KCNJ2):c.953A>G (p.Asn318Ser)

Gene: KCNJ2 (potassium inwardly rectifying channel subfamily J member 2; plus strand). Cytogenetic location: 17q24.3.
Variant type: single nucleotide variant.
Coding change: c.953A>G on transcript NM_000891.3 (MANE Select); coding-DNA position 953, A replaced by G.
Protein change: p.Asn318Ser; replaces asparagine 318 with serine.
Molecular consequence: missense variant.
Genome position (GRCh38, 1-based): chr17:70,175,992, A>G. VCF-style: chr17-70175992-A-G. GRCh37 (hg19) VCF-style: chr17-68172133-A-G.
Identifiers: ClinVar variation 161257 (VCV000161257.23), dbSNP rs367560052, ClinGen allele CA346055.

ClinVar aggregate classification (germline): Conflicting classifications of pathogenicity. Review status: criteria provided, conflicting classifications (1 of 4 stars). 9 submissions from 9 submitters: Uncertain significance (6); Likely benign (1). 2 of the submissions do not count toward it. Last evaluated 2025-12-09.

Conditions:
Cardiovascular phenotype. Identifiers: MedGen CN230736.
Andersen Tawil syndrome (LQT7). Also called: Andersen Syndrome; ANDERSEN CARDIODYSRHYTHMIC PERIODIC PARALYSIS; Potassium-sensitive periodic paralysis, ventricular ectopy, and dysmorphic features; LONG QT SYNDROME 7; PERIODIC PARALYSIS, POTASSIUM-SENSITIVE CARDIODYSRHYTHMIC TYPE. Identifiers: Orphanet 37553, MedGen C1563715, MONDO:0008222, OMIM 170390.
Atrial fibrillation, familial, 9 (ATFB9). Identifiers: MedGen C3151431, MONDO:0013513, OMIM 613980.
Short QT syndrome type 3. Identifiers: Orphanet 51083, MedGen C1865018, MONDO:0012314, OMIM 609622.

Allele frequency attached by ClinVar (database versions not stated): gnomAD exomes 0.00002 and 0.00003; TOPMed 0.00003; gnomAD 0.00001; ExAC 0.00002; ESP Exome Variant Server 0.00008.

Submissions (9):

Labcorp Genetics (formerly Invitae), Labcorp
Classification: Uncertain significance for Short QT syndrome type 3; Andersen Tawil syndrome. Last evaluated: 2025-12-09. Review status: criteria provided, single submitter. Criteria: Invitae Variant Classification Sherloc (09022015). Collection method: clinical testing. Allele origin: germline.
Comment: This sequence change replaces asparagine, which is neutral and polar, with serine, which is neutral and polar, at codon 318 of the KCNJ2 protein (p.Asn318Ser). This variant is present in population databases (rs367560052, gnomAD 0.009%). This missense change has been observed in individual(s) with long QT syndrome (PMID: 23644778). ClinVar contains an entry for this variant (Variation ID: 161257). Invitae Evidence Modeling of protein sequence and biophysical properties (such as structural, functional, and spatial information, amino acid conservation, physicochemical variation, residue mobility, and thermodynamic stability) indicates that this missense variant is not expected to disrupt KCNJ2 protein function with a negative predictive value of 95%. Experimental studies have shown that this missense change affects KCNJ2 function (PMID: 23644778). In summary, the available evidence is currently insufficient to determine the role of this variant in disease. Therefore, it has been classified as a Variant of Uncertain Significance.

Blueprint Genetics
Classification: Likely benign. Last evaluated: 2024-03-05. Review status: criteria provided, single submitter. Criteria: ACMG Guidelines, 2015. Collection method: clinical testing. Allele origin: germline.

Revvity Omics, Revvity
Classification: Uncertain significance. Last evaluated: 2022-06-14. Review status: criteria provided, single submitter. Criteria: ACMG Guidelines, 2015. Collection method: clinical testing. Allele origin: germline.

Fulgent Genetics
Classification: Uncertain significance for Andersen Tawil syndrome; Short QT syndrome type 3; Atrial fibrillation, familial, 9. Last evaluated: 2021-09-28. Review status: criteria provided, single submitter. Criteria: ACMG Guidelines, 2015. Collection method: clinical testing. Allele origin: unknown.

MVZ Martinsried, Medicover Genetics
Classification: Uncertain significance for Andersen Tawil syndrome. Last evaluated: 2020-01-08. Review status: criteria provided, single submitter. Criteria: ACMG Guidelines, 2015. Collection method: clinical testing. Allele origin: unknown. Affected: yes.

Centre for Mendelian Genomics, University Medical Centre Ljubljana
Classification: Uncertain significance for Andersen Tawil syndrome. Last evaluated: 2019-08-07. Review status: criteria provided, single submitter. Criteria: ACMG Guidelines, 2015. Collection method: clinical testing. Allele origin: unknown. Affected: yes.
Comment: This variant was classified as: Uncertain significance. The available evidence on this variant's pathogenicity is insufficient or conflicting. The following ACMG criteria were applied in classifying this variant: No criteria apply.

Ambry Genetics
Classification: Uncertain significance for Cardiovascular phenotype. Last evaluated: 2019-07-15. Review status: criteria provided, single submitter. Criteria: Ambry Variant Classification Scheme 2023. Collection method: clinical testing. Allele origin: germline.
Comment: The p.N318S variant (also known as c.953A>G), located in coding exon 1 of the KCNJ2 gene, results from an A to G substitution at nucleotide position 953. The asparagine at codon 318 is replaced by serine, an amino acid with highly similar properties. This variant was identified in an individual with ventricular fibrillation (Limberg MM et al. Basic Res. Cardiol., 2013 May;108:353). In addition, this variant has been reported in a hypertrophic cardiomyopathy (HCM) cohort; however, clinical details were limited (Lopes LR et al. Heart, 2015 Feb;101:294-301). This amino acid position is not well conserved in available vertebrate species, and serine is the reference amino acid in other vertebrate species. In addition, this alteration is predicted to be tolerated by in silico analysis. Since supporting evidence is limited at this time, the clinical significance of this alteration remains unclear.

CSER _CC_NCGL, University of Washington
Classification: Uncertain significance for Andersen-Tawil syndrome. Last evaluated: 2014-06-01. Review status: no assertion criteria provided. Collection method: research. Allele origin: germline. Inheritance: Autosomal dominant inheritance. Study: ESP 6500 variant annotation. Not counted in ClinVar's aggregate classification.
Comment: Variants classified for the Actionable exomic incidental findings in 6503 participants: challenges of variant classification manuscript

GeneReviews
No classification provided. Condition: Andersen Tawil syndrome. Review status: no classification provided. Collection method: literature only. Allele origin: germline. Not counted in ClinVar's aggregate classification.

Literature cited by the submitters: PubMed 23644778 (cited by 3 submitters); PubMed 25351510 (cited by Ambry Genetics).